The following is an entry in ClinVar:

NM_000257.4(MYH7):c.3455A>C (p.Glu1152Ala)

Gene: MYH7 (myosin heavy chain 7; minus strand). Cytogenetic location: 14q11.2.
Variant type: single nucleotide variant.
Coding change: c.3455A>C on transcript NM_000257.4 (MANE Select); coding-DNA position 3455, A replaced by C.
Protein change: p.Glu1152Ala; replaces glutamic acid 1152 with alanine.
Molecular consequence: missense variant.
Genome position (GRCh38, 1-based): chr14:23,420,116, T>G on the plus strand (A>C on the coding strand, the complement: MYH7 is on the minus strand). VCF-style: chr14-23420116-T-G. GRCh37 (hg19) VCF-style: chr14-23889325-T-G.
Other names: c.3455A>C, p.Glu1152Ala (NM_001407004.1); short protein forms E1152A.
Identifiers: ClinVar variation 3636020 (VCV003636020.2).

ClinVar aggregate classification (germline): Uncertain significance (1 of 4 stars; one submission).

Conditions:
Hypertrophic cardiomyopathy. Also called: HYPERTROPHIC MYOCARDIOPATHY. Identifiers: Orphanet 217569, MedGen C0007194, MeSH D002312, MONDO:0005045, HP:0001639.

Submission:

Labcorp Genetics (formerly Invitae), Labcorp
Classification: Uncertain significance for Hypertrophic cardiomyopathy. Last evaluated: 2024-04-30. Review status: criteria provided, single submitter. Criteria: Invitae Variant Classification Sherloc (09022015). Collection method: clinical testing. Allele origin: germline.
Comment: This sequence change replaces glutamic acid, which is acidic and polar, with alanine, which is neutral and non-polar, at codon 1152 of the MYH7 protein (p.Glu1152Ala). This variant is not present in population databases (gnomAD no frequency). This variant has not been reported in the literature in individuals affected with MYH7-related conditions. Advanced modeling of protein sequence and biophysical properties (such as structural, functional, and spatial information, amino acid conservation, physicochemical variation, residue mobility, and thermodynamic stability) performed at Invitae indicates that this missense variant is expected to disrupt MYH7 protein function with a positive predictive value of 95%. In summary, the available evidence is currently insufficient to determine the role of this variant in disease. Therefore, it has been classified as a Variant of Uncertain Significance.